The following is an entry in ClinVar:

NM_005422.4(TECTA):c.3898C>T (p.Leu1300=)

Genes: TBCEL-TECTA (TBCEL-TECTA readthrough; plus strand), TECTA (tectorin alpha; plus strand). Cytogenetic location: 11q23.3.
Variant type: single nucleotide variant.
Coding change: c.3898C>T on transcript NM_005422.4 (MANE Select); coding-DNA position 3898, C replaced by T.
Protein change: p.Leu1300=; no amino-acid change (leucine 1300 retained).
Molecular consequence: synonymous variant.
Genome position (GRCh38, 1-based): chr11:121,145,909, C>T. VCF-style: chr11-121145909-C-T. GRCh37 (hg19) VCF-style: chr11-121016618-C-T.
Other names: c.4855C>T, p.Leu1619= (NM_001378761.1).
Identifiers: ClinVar variation 929985 (VCV000929985.4), dbSNP rs527881617, ClinGen allele CA229831631.
Genomic context (GRCh38, chr11:121,145,909, plus strand): 5'-GGCTGTGGGGACCGCTGTCCGTCCTGTGCCAAGGTGGAAGGTTTCTCCAAAGTGCAGCAG[C>T]TGTGCAGCCTGATCCCCAACCAGAACGCTGCCTTCTCCAAGTGTCACAGCAAAGTTAACC-3'
Protein context (NP_005413.2, residues 1290-1310): KVEGFSKVQQ[Leu1300=]CSLIPNQNAA

ClinVar aggregate classification (germline): Likely benign (1 of 4 stars; one submission).

gnomAD v4.1: 2 of 1,614,256 alleles (0.00012%); highest among the groups gnomAD compares: Non-Finnish European, 0.00017%; no homozygotes.

Submission:

Laboratory for Molecular Medicine, Mass General Brigham Personalized Medicine
Classification: Likely benign. Last evaluated: 2019-11-13. Review status: criteria provided, single submitter. Criteria: LMM Criteria. Collection method: clinical testing. Allele origin: germline. Observed: 1 variant allele.
Comment: The p.Leu1300Leu variant in TECTA is classified as likely benign because it does not alter an amino acid residue, it is not located within the splice consensus sequence, and splice prediction algorithms do not predict a newly created splice site. ACMG/AMP Criteria applied: BP4, BP7.